The following is an entry in ClinVar:

NM_015295.3(SMCHD1):c.1382T>C (p.Leu461Pro)

Gene: SMCHD1 (structural maintenance of chromosomes flexible hinge domain containing 1; plus strand). Cytogenetic location: 18p11.32.
Variant type: single nucleotide variant.
Coding change: c.1382T>C on transcript NM_015295.3 (MANE Select); coding-DNA position 1382, T replaced by C.
Protein change: p.Leu461Pro; replaces leucine 461 with proline.
Molecular consequence: missense variant.
Genome position (GRCh38, 1-based): chr18:2,700,578, T>C. VCF-style: chr18-2700578-T-C. GRCh37 (hg19) VCF-style: chr18-2700576-T-C.
Other names: short protein forms L461P.
Identifiers: ClinVar variation 1718328 (VCV001718328.5), dbSNP rs2510027144, ClinGen allele CA401698963.
Genomic context (GRCh38, chr18:2,700,578, plus strand): 5'-CCATTTGCCCTTTTGATCTAGAATTAAAAGATGAAGATGATGAAGATGATTGTTTCATAC[T>C]TGAGAAAGCAGCTAGAGGGAAAAGGCCTATTTTTGAATGTTTTTGGAATGGACGATTAAT-3'
Protein context (NP_056110.2, residues 451-471): DEDDEDDCFI[Leu461Pro]EKAARGKRPI

ClinVar aggregate classification (germline): Uncertain significance (1 of 4 stars; one submission).

Conditions:
Facioscapulohumeral muscular dystrophy 2 (FSHD2). Also called: FACIOSCAPULOHUMERAL MUSCULAR DYSTROPHY 2, DIGENIC; MUSCULAR DYSTROPHY, FACIOSCAPULOHUMERAL, TYPE 1B; FSHD2, DIGENIC. Identifiers: Orphanet 269, MedGen C1834671, MONDO:0008031, OMIM 158901.

Submission:

Labcorp Genetics (formerly Invitae), Labcorp
Classification: Uncertain significance for Facioscapulohumeral muscular dystrophy 2. Last evaluated: 2022-07-19. Review status: criteria provided, single submitter. Criteria: Invitae Variant Classification Sherloc (09022015). Collection method: clinical testing. Allele origin: germline.
Comment: In summary, the available evidence is currently insufficient to determine the role of this variant in disease. Therefore, it has been classified as a Variant of Uncertain Significance. Algorithms developed to predict the effect of missense changes on protein structure and function output the following: SIFT: "Tolerated"; PolyPhen-2: "Benign"; Align-GVGD: "Class C0". The proline amino acid residue is found in multiple mammalian species, which suggests that this missense change does not adversely affect protein function. This variant has not been reported in the literature in individuals affected with SMCHD1-related conditions. This variant is not present in population databases (gnomAD no frequency). This sequence change replaces leucine, which is neutral and non-polar, with proline, which is neutral and non-polar, at codon 461 of the SMCHD1 protein (p.Leu461Pro).